The following is an entry in ClinVar:

ClinVar aggregate classification (germline): Uncertain significance (1 of 4 stars; one submission).

gnomAD v4.1: 18 of 1,596,150 alleles (0.0011%); highest among the groups gnomAD compares: East Asian, 0.036%; no homozygotes.

Submission:

Ambry Genetics
Classification: Uncertain significance. Last evaluated: 2025-02-13. Review status: criteria provided, single submitter. Criteria: Ambry Variant Classification Scheme 2023. Collection method: clinical testing. Allele origin: germline.
Comment: Does not currently meet published gene-disease clinical validity criteria Based on insufficient or conflicting evidence, the clinical significance of this alteration remains unclear.

Literature cited by the submitters: PubMed 28106320.

NM_032816.5(CEP89):c.977A>G (p.Asn326Ser)

Gene: CEP89 (centrosomal protein 89; minus strand). Cytogenetic location: 19q13.11.
Variant type: single nucleotide variant.
Coding change: c.977A>G on transcript NM_032816.5 (MANE Select); coding-DNA position 977, A replaced by G.
Protein change: p.Asn326Ser; replaces asparagine 326 with serine.
Molecular consequence: missense variant.
Genome position (GRCh38, 1-based): chr19:32,931,481, T>C on the plus strand (A>G on the coding strand, the complement: CEP89 is on the minus strand). VCF-style: chr19-32931481-T-C. GRCh37 (hg19) VCF-style: chr19-33422387-T-C.
Other names: short protein forms N326S.
Identifiers: ClinVar variation 3832105 (VCV003832105.1).
Genomic context (GRCh38, chr19:32,931,481, plus strand): 5'-AACGTTACCTCTTCCTTGGACAAATGCCTGAATTTTGTCTGATATCGACTGAGTTCTACA[T>C]TCAAACGATGGACAGTCATTTTCAATCCATCATTTTCATCCACCAGTTCTTGAGCTTGTT-3'
Protein context (NP_116205.3, residues 316-336): DGLKMTVHRL[Asn326Ser]VELSRYQTKF